The following is an entry in ClinVar:

NM_001371596.2(MFSD8):c.65_66del (p.Glu22fs)

Gene: MFSD8 (major facilitator superfamily domain containing 8; minus strand). Cytogenetic location: 4q28.2.
Variant type: Deletion.
Coding change: c.65_66del on transcript NM_001371596.2 (MANE Select); coding-DNA positions 65 to 66, 2 bases deleted (AA; older notation c.65_66delAA).
Protein change: p.Glu22fs; shifts the reading frame from glutamic acid 22.
Molecular consequence: frameshift variant. On other transcripts: 5 prime UTR variant (1).
Genome position (GRCh38, 1-based): chr4:127,957,589-127,957,590, TT deleted on the plus strand (AA on the coding strand, the reverse complement: MFSD8 is on the minus strand). VCF-style (leftmost placement, unchanged base first): chr4-127957588-ATT-A. GRCh37 (hg19) VCF-style: chr4-128878743-ATT-A.
Other names: c.65_66delAA, p.Glu22Valfs (NM_001363520.3, NM_001363521.3, NM_001371591.2 and 4 more transcripts); c.-71_-70delAA (NM_001371590.2, NM_001410765.1); c.-71_-70del (NM_001371595.1); c.65_66del, p.Glu22fs (NM_152778.4); short protein forms E22fs.
Identifiers: ClinVar variation 1453415 (VCV001453415.7), dbSNP rs2148972962, ClinGen allele CA2573138049.
Genomic context (GRCh38, chr4:127,957,588, plus strand): 5'-ATAAAATCCTAATAGATCTCCATCGGCTCTTATAATGCTCTTCAGTCTCTAAAATGTCCC[ATT>A]CTCTAGGTGTAAAGAAGAAAAAAGTAGTATAAATTTATCTCATTACATGTGGATCTTAAG-3'

ClinVar aggregate classification (germline): Pathogenic (1 of 4 stars; one submission).

Conditions:
Neuronal ceroid lipofuscinosis 7 (CLN7). Also called: MFSD8-Related Neuronal Ceroid-Lipofuscinosis. Identifiers: Orphanet 168491, Orphanet 228366, MedGen C1838571, MONDO:0012588, OMIM 610951.

Submission:

Labcorp Genetics (formerly Invitae), Labcorp
Classification: Pathogenic for Neuronal ceroid lipofuscinosis 7. Last evaluated: 2022-09-12. Review status: criteria provided, single submitter. Criteria: Invitae Variant Classification Sherloc (09022015). Collection method: clinical testing. Allele origin: germline.
Comment: For these reasons, this variant has been classified as Pathogenic. Algorithms developed to predict the effect of sequence changes on RNA splicing suggest that this variant may disrupt the consensus splice site. ClinVar contains an entry for this variant (Variation ID: 1453415). This variant has not been reported in the literature in individuals affected with MFSD8-related conditions. This variant is not present in population databases (gnomAD no frequency). This sequence change creates a premature translational stop signal (p.Glu22Valfs*7) in the MFSD8 gene. It is expected to result in an absent or disrupted protein product. Loss-of-function variants in MFSD8 are known to be pathogenic (PMID: 19177532, 25227500, 28586915).

Literature cited by the submitters: PubMed 19177532; PubMed 25227500; PubMed 28586915.